The following is an entry in ClinVar:

ClinVar aggregate classification (germline): Uncertain significance (1 of 4 stars; one submission).

Conditions:
POLD1-related polyposis and colorectal cancer syndrome (CRCS10). Also called: Colorectal cancer 10; Colorectal cancer, susceptibility to, 10; COLORECTAL CANCER, SUSCEPTIBILITY TO, ON CHROMOSOME 19q. Identifiers: Orphanet 220460, MedGen C2675481, MONDO:0012953, OMIM 612591.

Submission:

Labcorp Genetics (formerly Invitae), Labcorp
Classification: Uncertain significance for POLD1-related polyposis and colorectal cancer syndrome. Last evaluated: 2023-07-07. Review status: criteria provided, single submitter. Criteria: Invitae Variant Classification Sherloc (09022015). Collection method: clinical testing. Allele origin: germline.
Comment: This sequence change results in a frameshift in the POLD1 gene (p.Asn1045Profs*78). While this is not anticipated to result in nonsense mediated decay, it is expected to disrupt the last 63 amino acid(s) of the POLD1 protein and extend the protein by 14 additional amino acid residues. This variant is not present in population databases (gnomAD no frequency). This variant has not been reported in the literature in individuals affected with POLD1-related conditions. Experimental studies and prediction algorithms are not available or were not evaluated, and the functional significance of this variant is currently unknown. In summary, the available evidence is currently insufficient to determine the role of this variant in disease. Therefore, it has been classified as a Variant of Uncertain Significance.

NM_002691.4(POLD1):c.3133_3136del (p.Asn1045fs)

Gene: POLD1 (DNA polymerase delta 1, catalytic subunit; plus strand). Cytogenetic location: 19q13.33.
Variant type: Deletion.
Coding change: c.3133_3136del on transcript NM_002691.4 (MANE Select); coding-DNA positions 3133 to 3136, 4 bases deleted (AATG; older notation c.3133_3136delAATG).
Protein change: p.Asn1045fs; shifts the reading frame from asparagine 1045.
Molecular consequence: frameshift variant. On other transcripts: non-coding transcript variant (1).
Genome position (GRCh38, 1-based): chr19:50,417,184-50,417,187, AATG deleted; deleting any 4 consecutive bases within chr19:50,417,182-50,417,187 gives the same sequence; the c. name uses the placement nearest the transcript's 3' end. VCF-style (leftmost placement, unchanged base first): chr19-50417181-CTGAA-C. GRCh37 (hg19) VCF-style: chr19-50920438-CTGAA-C.
Other names: c.3133_3136del, p.Asn1045fs (NM_001256849.1); c.3211_3214del, p.Asn1071fs (NM_001308632.1); short protein forms N1071fs, N1045fs.
Identifiers: ClinVar variation 2736822 (VCV002736822.3), dbSNP rs2514077032, ClinGen allele CA2586572981.